The following is an entry in ClinVar:

NM_174934.4(SCN4B):c.155C>G (p.Pro52Arg)

Gene: SCN4B (sodium voltage-gated channel beta subunit 4; minus strand). Cytogenetic location: 11q23.3.
Variant type: single nucleotide variant.
Coding change: c.155C>G on transcript NM_174934.4 (MANE Select); coding-DNA position 155, C replaced by G.
Protein change: p.Pro52Arg; replaces proline 52 with arginine.
Molecular consequence: missense variant. On other transcripts: 5 prime UTR variant (1), non-coding transcript variant (1), intron variant (1).
Genome position (GRCh38, 1-based): chr11:118,145,136, G>C on the plus strand (C>G on the coding strand, the complement: SCN4B is on the minus strand). VCF-style: chr11-118145136-G-C. GRCh37 (hg19) VCF-style: chr11-118015851-G-C.
Other names: c.-176C>G (NM_001142349.2); c.62-3800C>G (NM_001142348.2); short protein forms P52R.
Identifiers: ClinVar variation 3793210 (VCV003793210.3).
Genomic context (GRCh38, chr11:118,145,136, plus strand): 5'-CTGTTGTAGGTCCACCGGAAGTGGAGGTCCTCGAAGCCAAAGCAGCTGGAGAAGGTGCAG[G>C]GCAGCAGGATCTCCGTGCCATTGACAGCGTAGATGTCGGTGGCCTTTCCCACAGACACCT-3'
Protein context (NP_777594.1, residues 42-62): YAVNGTEILL[Pro52Arg]CTFSSCFGFE

ClinVar aggregate classification (germline): Uncertain significance. Review status: criteria provided, multiple submitters, no conflicts (2 of 4 stars). 2 submissions from 2 submitters: Uncertain significance (2). Last evaluated 2025-02-23.

Conditions:
Long QT syndrome 10 (LQT10). Identifiers: Orphanet 101016, Orphanet 768, MedGen C2678484, MONDO:0012737, OMIM 611819.
Cardiovascular phenotype. Identifiers: MedGen CN230736.

gnomAD v4.1: 8 of 1,614,034 alleles (0.0005%); highest among the groups gnomAD compares: Non-Finnish European, 0.00059%; no homozygotes.

Submissions (2):

Ambry Genetics
Classification: Uncertain significance for Cardiovascular phenotype. Last evaluated: 2025-02-23. Review status: criteria provided, single submitter. Criteria: Ambry Variant Classification Scheme 2023. Collection method: clinical testing. Allele origin: germline.
Comment: The p.P52R variant (also known as c.155C>G), located in coding exon 2 of the SCN4B gene, results from a C to G substitution at nucleotide position 155. The proline at codon 52 is replaced by arginine, an amino acid with dissimilar properties. This amino acid position is conserved. In addition, this alteration is predicted to be deleterious by in silico analysis. Based on the available evidence, the clinical significance of this variant remains unclear.

Clinical Genetics Laboratory, University Hospital Schleswig-Holstein
Classification: Uncertain significance for Long QT syndrome 10. Last evaluated: 2025-01-22. Review status: criteria provided, single submitter. Criteria: ACMG Guidelines, 2015. Collection method: clinical testing. Allele origin: germline. Affected: yes. Observed: 2 heterozygotes.
Comment: ACMG criteria applied: PM2, PP3